The following is an entry in ClinVar:

NM_170606.3(KMT2C):c.6634C>G (p.Pro2212Ala)

Gene: KMT2C (lysine methyltransferase 2C; minus strand). Cytogenetic location: 7q36.1.
Variant type: single nucleotide variant.
Coding change: c.6634C>G on transcript NM_170606.3 (MANE Select); coding-DNA position 6634, C replaced by G.
Protein change: p.Pro2212Ala; replaces proline 2212 with alanine.
Molecular consequence: missense variant.
Genome position (GRCh38, 1-based): chr7:152,181,226, G>C on the plus strand (C>G on the coding strand, the complement: KMT2C is on the minus strand). VCF-style: chr7-152181226-G-C. GRCh37 (hg19) VCF-style: chr7-151878311-G-C.
Other names: short protein forms P2212A.
Identifiers: ClinVar variation 134763 (VCV000134763.1), dbSNP rs587778497, ClinGen allele CA160697.

ClinVar aggregate classification (germline): not provided (0 of 4 stars; one submission).

gnomAD v4.1: 1 of 1,614,124 alleles (0.000062%); highest among the groups gnomAD compares: Non-Finnish European, 0.000085%; no homozygotes.

Submission:

ITMI
No classification provided. Condition: AllHighlyPenetrant. Last evaluated: 2013-09-19. Review status: no classification provided. Collection method: reference population. Allele origin: germline.
Comment: Please see associated publication for description of ethnicities

Literature cited by the submitters: PubMed 24728327.